The following is an entry in ClinVar:

NM_015898.4(ZBTB7A):c.782_793del (p.Val261_Pro264del)

Gene: ZBTB7A (zinc finger and BTB domain containing 7A; minus strand). Cytogenetic location: 19p13.3.
Variant type: Deletion.
Coding change: c.782_793del on transcript NM_015898.4 (MANE Select); coding-DNA positions 782 to 793, 12 bases deleted (TGGCCCCGCCGG).
Protein change: p.Val261_Pro264del.
Molecular consequence: inframe deletion.
Genome position (GRCh38, 1-based): chr19:4,054,440-4,054,451, CCGGCGGGGCCA deleted on the plus strand (TGGCCCCGCCGG on the coding strand, the reverse complement: ZBTB7A is on the minus strand); deleting any 12 consecutive bases within chr19:4,054,440-4,054,458 gives the same sequence; the c. name uses the placement nearest the transcript's 3' end. VCF-style (leftmost placement, unchanged base first): chr19-4054439-GCCGGCGGGGCCA-G. GRCh37 (hg19) VCF-style: chr19-4054437-GCCGGCGGGGCCA-G.
Other names: c.782_793del, p.Val261_Pro264del (NM_001317990.2).
Identifiers: ClinVar variation 4086680 (VCV004086680.1).

ClinVar aggregate classification (germline): Uncertain significance (1 of 4 stars; one submission).

Submission:

GeneDx
Classification: Uncertain significance. Last evaluated: 2025-09-23. Review status: criteria provided, single submitter. Criteria: GeneDx Variant Classification Process June 2021. Collection method: clinical testing. Allele origin: germline. Affected: yes.
Comment: Not observed at significant frequency in large population cohorts (gnomAD); In-frame deletion of 4 amino acids in a non-repeat region; In silico analysis indicates that this variant does not alter protein structure/function; Has not been previously published as pathogenic or benign to our knowledge